The following is an entry in ClinVar:

ClinVar aggregate classification (germline): Benign. Review status: criteria provided, single submitter (1 of 4 stars). 2 submissions from 2 submitters: Benign (1). 1 of the submissions does not count toward it. Last evaluated 2018-08-14.

Conditions:
CLMN-related disorder. Also called: CLMN-related condition.

Allele frequency attached by ClinVar (database versions not stated): gnomAD exomes 0.00034 and 0.00097; ExAC 0.00129; 1000 Genomes Project 30x 0.00375; 1000 Genomes Project 0.00379; gnomAD 0.00392 and 0.00427; TOPMed 0.00478; ESP Exome Variant Server 0.00484.
gnomAD v4.1: 1,123 of 1,613,842 alleles (0.07%); highest among the groups gnomAD compares: African/African-American, 1.3%; 13 homozygotes.

Submissions (2):

Labcorp Genetics (formerly Invitae), Labcorp
Classification: Benign. Last evaluated: 2018-08-14. Review status: criteria provided, single submitter. Criteria: Invitae Variant Classification Sherloc (09022015). Collection method: clinical testing. Allele origin: germline.

PreventionGenetics, part of Exact Sciences
Classification: Benign for CLMN-related condition. Last evaluated: 2019-07-10. Review status: no assertion criteria provided. Collection method: clinical testing. Allele origin: germline. Not counted in ClinVar's aggregate classification.
Comment: This variant is classified as benign based on ACMG/AMP sequence variant interpretation guidelines (Richards et al. 2015 PMID: 25741868, with internal and published modifications).

NM_024734.4(CLMN):c.2840+4G>A

Gene: CLMN (calmin; minus strand). Cytogenetic location: 14q32.13.
Variant type: single nucleotide variant.
Coding change: c.2840+4G>A on transcript NM_024734.4 (MANE Select); 4 bases into the intron after coding-DNA position 2840, G replaced by A.
Molecular consequence: intron variant.
Genome position (GRCh38, 1-based): chr14:95,193,845, C>T on the plus strand (G>A on the coding strand, the complement: CLMN is on the minus strand). VCF-style: chr14-95193845-C-T. GRCh37 (hg19) VCF-style: chr14-95660182-C-T.
Identifiers: ClinVar variation 783696 (VCV000783696.5), dbSNP rs149684020, ClinGen allele CA7331833.